The following is an entry in ClinVar:

NM_020433.5(JPH2):c.1087C>T (p.Arg363Cys)

Gene: JPH2 (junctophilin 2; minus strand). Cytogenetic location: 20q13.12.
Variant type: single nucleotide variant.
Coding change: c.1087C>T on transcript NM_020433.5 (MANE Select); coding-DNA position 1087, C replaced by T.
Protein change: p.Arg363Cys; replaces arginine 363 with cysteine.
Molecular consequence: missense variant.
Genome position (GRCh38, 1-based): chr20:44,159,700, G>A on the plus strand (C>T on the coding strand, the complement: JPH2 is on the minus strand). VCF-style: chr20-44159700-G-A. GRCh37 (hg19) VCF-style: chr20-42788340-G-A.
Other names: short protein forms R363C.
Identifiers: ClinVar variation 1787979 (VCV001787979.2), dbSNP rs751173523, ClinGen allele CA9868754.

ClinVar aggregate classification (germline): Uncertain significance (1 of 4 stars; one submission).

Conditions:
Cardiovascular phenotype. Identifiers: MedGen CN230736.

Allele frequency attached by ClinVar (database versions not stated): ExAC 0.00002.
gnomAD v4.1: 12 of 1,613,098 alleles (0.00074%); highest among the groups gnomAD compares: Non-Finnish European, 0.00085%; no homozygotes.

Submission:

Ambry Genetics
Classification: Uncertain significance for Cardiovascular phenotype. Last evaluated: 2020-12-11. Review status: criteria provided, single submitter. Criteria: Ambry Variant Classification Scheme 2023. Collection method: clinical testing. Allele origin: germline.
Comment: The p.R363C variant (also known as c.1087C>T), located in coding exon 2 of the JPH2 gene, results from a C to T substitution at nucleotide position 1087. The arginine at codon 363 is replaced by cysteine, an amino acid with highly dissimilar properties. This amino acid position is well conserved in available vertebrate species. In addition, this alteration is predicted to be tolerated by in silico analysis. Since supporting evidence is limited at this time, the clinical significance of this alteration remains unclear.